The following is an entry in ClinVar:

NM_004409.5(DMPK):c.*224CTG[182]

Genes: DM1-AS (DM1 locus antisense RNA; plus strand), DMPK (DM1 protein kinase; minus strand), LOC107075317 (origin of replication in DMPK trinucleotide repeat region; plus strand), LOC109461477 (dystrophia myotonica protein kinase repeat instability region; plus strand). Cytogenetic location: 19q13.32.
Variant type: Microsatellite.
Coding change: c.*224CTG[182] on transcript NM_004409.5 (MANE Select); 182 copies in a row of the 3-base unit CTG starting at c.*224.
Molecular consequence: 3 prime UTR variant.
Genome position: GRCh38, VCF-style position (the base before the change): chr19:45,770,204. GRCh37 (hg19), VCF-style position (the base before the change): chr19:46,273,462.
Other names: DM1 CTG repeat expansion; c.*224CTG[182] (NM_001081560.3, NM_001288764.2, NM_001424165.1 and 1 more transcripts); c.*217CTG[182] (NM_001081562.3, NM_001288765.2, NM_001424162.1 and 2 more transcripts); c.*222_*224TGC[182] (NM_001081563.3); c.*369CTG[182] (NM_001288766.2, NM_001424164.1, NM_001424168.1).
Identifiers: ClinVar variation 187933 (VCV000187933.1), ClinGen allele CA915951729.

ClinVar aggregate classification (germline): Pathogenic (0 of 4 stars; one submission).

Conditions:
Steinert myotonic dystrophy syndrome (DM1). Also called: STEINERT DISEASE; Myotonic dystrophy type 1; Dystrophia myotonica type 1; Steinert myotonic dystrophy; Steinert's disease. Identifiers: Orphanet 273, MedGen C3250443, MONDO:0008056, OMIM 160900.

Submission:

Institute of Molecular, Cell and Systems Biology, University of Glasgow
Classification: Pathogenic for Steinert myotonic dystrophy syndrome. Review status: no assertion criteria provided. Criteria: research. Collection method: research. Allele origin: germline. Inheritance: Autosomal dominant inheritance. Affected: yes. Observed: 1 heterozygote.
Comment: DMPK CTG repeat expansions greater than approximately 45-50 repeats are assumed to be pathogenic

This record is based on data published in PubMed 25052313, which reports only ClinVar accessions SCV000120188 and SCV000120189. The complete data set includes SCV000207445 - SCV000207579.

Literature cited by the submitters: PubMed 1346923; PubMed 1546326; PubMed 25052313.